The following is an entry in ClinVar:

Conditions:
Breast-ovarian cancer, familial, susceptibility to, 1 (BROVCA1). Also called: BRCA1 Hereditary Breast and Ovarian Cancer; OVARIAN CANCER, SUSCEPTIBILITY TO. Identifiers: Orphanet 145, MedGen C2676676, MONDO:0011450, OMIM 604370. Disease mechanism: loss of function.

Submission:

Brotman Baty Institute, University of Washington
No classification provided (evidence only). Condition: Breast-ovarian cancer, familial 1. Review status: no classification provided. Collection method: in vitro. Allele origin: not applicable. Functional consequence: functionally_normal.
ClinVar note: "not provided" was previously submitted as the classification for the variant. However, the classification appeared to be based only on an observation of functional data so it was converted to no classification on 2025-07-30.

NM_007294.4(BRCA1):c.263A>C (p.Lys88Thr)

Gene: BRCA1 (BRCA1 DNA repair associated; minus strand). Cytogenetic location: 17q21.31.
Variant type: single nucleotide variant.
Coding change: c.263A>C on transcript NM_007294.4 (MANE Select); coding-DNA position 263, A replaced by C.
Protein change: p.Lys88Thr; replaces lysine 88 with threonine.
Molecular consequence: missense variant. On other transcripts: non-coding transcript variant (1).
Genome position (GRCh38, 1-based): chr17:43,104,906, T>G on the plus strand (A>C on the coding strand, the complement: BRCA1 is on the minus strand). VCF-style: chr17-43104906-T-G. GRCh37 (hg19) VCF-style: chr17-41256923-T-G.
Other names: c.263A>C, p.Lys88Thr (NM_001408440.1, NM_001408441.1, NM_001408442.1 and 168 more transcripts); c.131A>C, p.Lys44Thr (NM_001408451.1); c.122A>C, p.Lys41Thr (NM_001408452.1, NM_001408453.1, NM_001408454.1 and 99 more transcripts); c.185A>C, p.Lys62Thr (NM_001408474.1, NM_001408475.1, NM_001408476.1 and 21 more transcripts); c.53A>C, p.Lys18Thr (NM_001408478.1, NM_001408479.1, NM_001408480.1 and 58 more transcripts); c.-119A>C (NM_001408510.1, NM_001408512.1, NM_001407959.1 and 4 more transcripts); short protein forms K41T, K88T, K62T, K18T, K44T.
Identifiers: ClinVar variation 868328 (VCV000868328.3), dbSNP rs2054681969, ClinGen allele CA10601630.